The following is an entry in ClinVar:

ClinVar aggregate classification (germline): Uncertain significance (1 of 4 stars; one submission).

Conditions:
Peroxisome biogenesis disorder 11A (Zellweger). Also called: Peroxisome biogenesis disorder 11A. Identifiers: Orphanet 912, MedGen C3554000, MONDO:0013949, OMIM 614883.

Allele frequency attached by ClinVar (database versions not stated): gnomAD exomes below 0.00001.
gnomAD v4.1: 3 of 1,614,200 alleles (0.00019%); highest among the groups gnomAD compares: Non-Finnish European, 0.00025%; no homozygotes.

Submission:

Labcorp Genetics (formerly Invitae), Labcorp
Classification: Uncertain significance for Peroxisome biogenesis disorder 11A (Zellweger). Last evaluated: 2022-02-04. Review status: criteria provided, single submitter. Criteria: Invitae Variant Classification Sherloc (09022015). Collection method: clinical testing. Allele origin: germline.
Comment: This variant has not been reported in the literature in individuals affected with PEX13-related conditions. This sequence change replaces glutamic acid, which is acidic and polar, with aspartic acid, which is acidic and polar, at codon 206 of the PEX13 protein (p.Glu206Asp). This variant is not present in population databases (gnomAD no frequency). Algorithms developed to predict the effect of missense changes on protein structure and function (SIFT, PolyPhen-2, Align-GVGD) all suggest that this variant is likely to be tolerated. In summary, the available evidence is currently insufficient to determine the role of this variant in disease. Therefore, it has been classified as a Variant of Uncertain Significance.

NM_002618.4(PEX13):c.618G>C (p.Glu206Asp)

Gene: PEX13 (peroxisomal biogenesis factor 13; plus strand). Cytogenetic location: 2p15.
Variant type: single nucleotide variant.
Coding change: c.618G>C on transcript NM_002618.4 (MANE Select); coding-DNA position 618, G replaced by C.
Protein change: p.Glu206Asp; replaces glutamic acid 206 with aspartic acid.
Molecular consequence: missense variant.
Genome position (GRCh38, 1-based): chr2:61,031,944, G>C. VCF-style: chr2-61031944-G-C. GRCh37 (hg19) VCF-style: chr2-61259079-G-C.
Other names: short protein forms E206D.
Identifiers: ClinVar variation 1503300 (VCV001503300.8), dbSNP rs1680458661, ClinGen allele CA346944069.